The following is an entry in ClinVar:

NM_001205293.3(CACNA1E):c.2588G>A (p.Arg863Gln)

Gene: CACNA1E (calcium voltage-gated channel subunit alpha1 E; plus strand). Cytogenetic location: 1q25.3.
Variant type: single nucleotide variant.
Coding change: c.2588G>A on transcript NM_001205293.3 (MANE Select); coding-DNA position 2588, G replaced by A.
Protein change: p.Arg863Gln; replaces arginine 863 with glutamine.
Molecular consequence: missense variant.
Genome position (GRCh38, 1-based): chr1:181,732,674, G>A. VCF-style: chr1-181732674-G-A. GRCh37 (hg19) VCF-style: chr1-181701810-G-A.
Other names: c.2588G>A, p.Arg863Gln (NM_000721.4); c.2531G>A, p.Arg844Gln (NM_001205294.2); short protein forms R863Q, R844Q.
Identifiers: ClinVar variation 783301 (VCV000783301.22), dbSNP rs202202209, ClinGen allele CA1275365.

ClinVar aggregate classification (germline): Benign/Likely benign. Review status: criteria provided, multiple submitters, no conflicts (2 of 4 stars). 5 submissions from 5 submitters: Benign (1); Likely benign (4). Last evaluated 2026-01-28.

Conditions:
Developmental and epileptic encephalopathy, 69. Also called: EPILEPTIC ENCEPHALOPATHY, EARLY INFANTILE, 69. Identifiers: MedGen C4748988, MONDO:0032657, OMIM 618285.

Allele frequency attached by ClinVar (database versions not stated): TOPMed 0.00370; ESP Exome Variant Server 0.00477; gnomAD exomes 0.00120; ExAC 0.00195; 1000 Genomes Project 0.00300; 1000 Genomes Project 30x 0.00328; gnomAD 0.00332 and 0.00361.
gnomAD v4.1: 956 of 1,524,198 alleles (0.063%); highest among the groups gnomAD compares: African/African-American, 1.2%; 5 homozygotes.

Submissions (5):

Labcorp Genetics (formerly Invitae), Labcorp
Classification: Benign. Last evaluated: 2026-01-28. Review status: criteria provided, single submitter. Criteria: Invitae Variant Classification Sherloc (09022015). Collection method: clinical testing. Allele origin: germline.

CeGaT Center for Human Genetics Tuebingen
Classification: Likely benign. Last evaluated: 2025-07-01. Review status: criteria provided, single submitter. Criteria: CeGaT Center For Human Genetics Tuebingen Variant Classification Criteria Version 2. Collection method: clinical testing. Allele origin: germline. Affected: yes. Observed: 1 variant allele.
Comment: CACNA1E: BS1

Genome-Nilou Lab
Classification: Likely benign for Developmental and epileptic encephalopathy, 69. Last evaluated: 2023-04-11. Review status: criteria provided, single submitter. Criteria: ACMG Guidelines, 2015. Collection method: clinical testing. Allele origin: germline. Affected: no.

GeneDx
Classification: Likely benign. Last evaluated: 2021-05-19. Review status: criteria provided, single submitter. Criteria: GeneDx Variant Classification Process June 2021. Collection method: clinical testing. Allele origin: germline. Affected: yes.

Breakthrough Genomics
Classification: Likely benign. Review status: criteria provided, single submitter. Criteria: ACMG Guidelines, 2015. Collection method: not provided. Allele origin: germline. Inheritance: Autosomal dominant inheritance. Affected: yes.